The following is an entry in ClinVar:

ClinVar aggregate classification (germline): Uncertain significance. Review status: criteria provided, single submitter (1 of 4 stars). 2 submissions from 2 submitters: Uncertain significance (1). 1 of the submissions does not count toward it. Last evaluated 2020-12-18.

Conditions:
Hereditary cancer-predisposing syndrome. Also called: Neoplastic Syndromes, Hereditary; Tumor predisposition; Hereditary Cancer Syndrome; Hereditary neoplastic syndrome. Identifiers: Orphanet 140162, MedGen C0027672, MeSH D009386, MONDO:0015356.
Fanconi anemia (FA). Also called: Fanconi's anemia. Identifiers: Orphanet 84, MedGen C0015625, MeSH D005199, MONDO:0019391.

Submissions (2):

Ambry Genetics
Classification: Uncertain significance for Hereditary cancer-predisposing syndrome. Last evaluated: 2020-12-18. Review status: criteria provided, single submitter. Criteria: Ambry Variant Classification Scheme 2023. Collection method: clinical testing. Allele origin: germline.
Comment: The p.V38G variant (also known as c.113T>G), located in coding exon 1 of the FANCC gene, results from a T to G substitution at nucleotide position 113. The valine at codon 38 is replaced by glycine, an amino acid with dissimilar properties. This amino acid position is highly conserved in available vertebrate species; however, the reference amino acid in these species is different from the reference amino acid in human. In addition, this alteration is predicted to be tolerated by in silico analysis. Since supporting evidence is limited at this time, the clinical significance of this alteration remains unclear.

Natera, Inc.
Classification: Uncertain significance for Fanconi anemia. Last evaluated: 2025-01-31. Review status: no assertion criteria provided. Collection method: clinical testing. Allele origin: germline. Not counted in ClinVar's aggregate classification.

NM_000136.3(FANCC):c.113T>G (p.Val38Gly)

Gene: FANCC (FA complementation group C; minus strand). Cytogenetic location: 9q22.32.
Variant type: single nucleotide variant.
Coding change: c.113T>G on transcript NM_000136.3 (MANE Select); coding-DNA position 113, T replaced by G.
Protein change: p.Val38Gly; replaces valine 38 with glycine.
Molecular consequence: missense variant.
Genome position (GRCh38, 1-based): chr9:95,249,179, A>C on the plus strand (T>G on the coding strand, the complement: FANCC is on the minus strand). VCF-style: chr9-95249179-A-C. GRCh37 (hg19) VCF-style: chr9-98011461-A-C.
Other names: c.113T>G, p.Val38Gly (NM_001243743.2, NM_001243744.2); short protein forms V38G.
Identifiers: ClinVar variation 1730934 (VCV001730934.3), dbSNP rs2542860706, ClinGen allele CA374340306.
Genomic context (GRCh38, chr9:95,249,179, plus strand): 5'-CTACTTACCATCTCTTTCAAGGCTTCATACATCTTCCTTAGGAACTCCTGGAACTGAGCC[A>C]CGTGAAGACAGGTGTCTTGCTGGGTTTCCAAAGTGGAAGCCTGATCCCATACAGAAAGCT-3'
Protein context (NP_000127.2, residues 28-48): LETQQDTCLH[Val38Gly]AQFQEFLRKM